The following is an entry in ClinVar:

ClinVar aggregate classification (germline): Uncertain significance (1 of 4 stars; one submission).

Allele frequency attached by ClinVar (database versions not stated): gnomAD exomes below 0.00001 and 0.00001; TOPMed below 0.00001.
gnomAD v4.1: 9 of 1,613,462 alleles (0.00056%); highest among the groups gnomAD compares: Non-Finnish European, 0.00068%; no homozygotes.

Submission:

Labcorp Genetics (formerly Invitae), Labcorp
Classification: Uncertain significance. Last evaluated: 2022-07-20. Review status: criteria provided, single submitter. Criteria: Invitae Variant Classification Sherloc (09022015). Collection method: clinical testing. Allele origin: germline.
Comment: In summary, the available evidence is currently insufficient to determine the role of this variant in disease. Therefore, it has been classified as a Variant of Uncertain Significance. Algorithms developed to predict the effect of missense changes on protein structure and function are either unavailable or do not agree on the potential impact of this missense change (SIFT: "Tolerated"; PolyPhen-2: "Probably Damaging"; Align-GVGD: "Class C0"). ClinVar contains an entry for this variant (Variation ID: 1501462). This variant has not been reported in the literature in individuals affected with WHRN-related conditions. This variant is present in population databases (no rsID available, gnomAD 0.0009%). This sequence change replaces glutamine, which is neutral and polar, with histidine, which is basic and polar, at codon 758 of the WHRN protein (p.Gln758His).

NM_015404.4(WHRN):c.2274G>C (p.Gln758His)

Gene: WHRN (whirlin; minus strand). Cytogenetic location: 9q32.
Variant type: single nucleotide variant.
Coding change: c.2274G>C on transcript NM_015404.4 (MANE Select); coding-DNA position 2274, G replaced by C.
Protein change: p.Gln758His; replaces glutamine 758 with histidine.
Molecular consequence: missense variant.
Genome position (GRCh38, 1-based): chr9:114,404,040, C>G on the plus strand (G>C on the coding strand, the complement: WHRN is on the minus strand). VCF-style: chr9-114404040-C-G. GRCh37 (hg19) VCF-style: chr9-117166320-C-G.
Other names: c.1125G>C, p.Gln375His (NM_001083885.3); c.2271G>C, p.Gln757His (NM_001173425.2); c.1221G>C, p.Gln407His (NM_001346890.1); short protein forms Q375H, Q758H, Q407H, Q757H.
Identifiers: ClinVar variation 1501462 (VCV001501462.4), dbSNP rs1466978390, ClinGen allele CA374619928.